The following is an entry in ClinVar:

ClinVar aggregate classification (germline): Uncertain significance (1 of 4 stars; one submission).

gnomAD v4.1: 1 of 1,614,096 alleles (0.000062%); highest among the groups gnomAD compares: South Asian, 0.0011%; no homozygotes.

Submission:

GeneDx
Classification: Uncertain significance. Last evaluated: 2024-07-30. Review status: criteria provided, single submitter. Criteria: GeneDx Variant Classification Process June 2021. Collection method: clinical testing. Allele origin: germline. Affected: yes.
Comment: Not observed at significant frequency in large population cohorts (gnomAD); In silico analysis supports that this missense variant has a deleterious effect on protein structure/function; Has not been previously published as pathogenic or benign to our knowledge

NM_012154.5(AGO2):c.2110T>C (p.Phe704Leu)

Gene: AGO2 (argonaute RISC catalytic component 2; minus strand). Cytogenetic location: 8q24.3.
Variant type: single nucleotide variant.
Coding change: c.2110T>C on transcript NM_012154.5 (MANE Select); coding-DNA position 2110, T replaced by C.
Protein change: p.Phe704Leu; replaces phenylalanine 704 with leucine.
Molecular consequence: missense variant.
Genome position (GRCh38, 1-based): chr8:140,539,379, A>G on the plus strand (T>C on the coding strand, the complement: AGO2 is on the minus strand). VCF-style: chr8-140539379-A-G. GRCh37 (hg19) VCF-style: chr8-141549478-A-G.
Other names: c.2110T>C, p.Phe704Leu (NM_001164623.3); short protein forms F704L.
Identifiers: ClinVar variation 3602501 (VCV003602501.1).
Genomic context (GRCh38, chr8:140,539,379, plus strand): 5'-CCCGCTCGTTCTTGTCAGTGCAGAAGAGCCGGGTGTGGTGCCTCTTCTGCACCACGATGA[A>G]GGTGATCCCGGGCTGGTAGTCTTTTTCTAGCTTGATACAGGCCTCACGGATGGCCAGCAA-3'
Protein context (NP_036286.2, residues 694-714): LEKDYQPGIT[Phe704Leu]IVVQKRHHTR